The following is an entry in ClinVar:

NM_000782.5(CYP24A1):c.667A>T (p.Arg223Ter)

Gene: CYP24A1 (cytochrome P450 family 24 subfamily A member 1; minus strand). Cytogenetic location: 20q13.2.
Variant type: single nucleotide variant.
Coding change: c.667A>T on transcript NM_000782.5 (MANE Select); coding-DNA position 667, A replaced by T.
Protein change: p.Arg223Ter; replaces arginine 223 with a stop codon.
Molecular consequence: nonsense.
Genome position (GRCh38, 1-based): chr20:54,165,807, T>A on the plus strand (A>T on the coding strand, the complement: CYP24A1 is on the minus strand). VCF-style: chr20-54165807-T-A. GRCh37 (hg19) VCF-style: chr20-52782346-T-A.
Other names: c.667A>T (NM_000782.4); c.667A>T, p.Arg223Ter (NM_001128915.2, NM_001424340.1, NM_001424341.1 and 2 more transcripts); short protein forms R223*.
Identifiers: ClinVar variation 3587457 (VCV003587457.6).

ClinVar aggregate classification (germline): Pathogenic. Review status: criteria provided, multiple submitters, no conflicts (2 of 4 stars). 5 submissions from 5 submitters: Pathogenic (5). Last evaluated 2025-10-03.

Conditions:
Hypercalcemia, infantile, 1 (HCINF1). Identifiers: Orphanet 300547, MedGen CN031131, MONDO:0020739, OMIM 143880.
CYP24A1-related disorders.

gnomAD v4.1: 45 of 1,498,208 alleles (0.003%); highest among the groups gnomAD compares: Non-Finnish European, 0.0042%; no homozygotes.

Submissions (5):

Rare Kidney Stone Consortium and the Mayo Clinic Hyperoxaluria Center, Mayo Clinic
Classification: Pathogenic for Hypercalcemia, infantile, 1. Last evaluated: 2025-10-03. Review status: criteria provided, single submitter. Criteria: ACMG Guidelines, 2015. Collection method: research. Allele origin: germline. Affected: yes. Observed: 1 variant allele.
Comment: ACMG:PVS1, PM1, PM2, PP4

GeneDx
Classification: Pathogenic. Last evaluated: 2025-02-06. Review status: criteria provided, single submitter. Criteria: GeneDx Variant Classification Process June 2021. Collection method: clinical testing. Allele origin: germline. Affected: yes.
Comment: Nonsense variant predicted to result in protein truncation or nonsense mediated decay in a gene for which loss of function is a known mechanism of disease; This variant is associated with the following publications: (PMID: 34735369, 27639704, 29431110, 31288237, 34307984, 31188746, 31672324, 33099630, 33249478)

Labcorp Genetics (formerly Invitae), Labcorp
Classification: Pathogenic. Last evaluated: 2024-12-02. Review status: criteria provided, single submitter. Criteria: Invitae Variant Classification Sherloc (09022015). Collection method: clinical testing. Allele origin: germline.
Comment: This sequence change creates a premature translational stop signal (p.Arg223*) in the CYP24A1 gene. It is expected to result in an absent or disrupted protein product. Loss-of-function variants in CYP24A1 are known to be pathogenic (PMID: 21675912). This variant is present in population databases (rs367995295, gnomAD 0.004%). This premature translational stop signal has been observed in individual(s) with hypercalcemia (PMID: 27639704). For these reasons, this variant has been classified as Pathogenic.

Fulgent Genetics
Classification: Pathogenic for Hypercalcemia, infantile, 1. Last evaluated: 2024-06-21. Review status: criteria provided, single submitter. Criteria: ACMG Guidelines, 2015. Collection method: clinical testing. Allele origin: germline.

Blueprint Genetics
Classification: Pathogenic for CYP24A1-related disorders. Last evaluated: 2024-04-11. Review status: criteria provided, single submitter. Criteria: ACMG Guidelines, 2015. Collection method: clinical testing. Allele origin: germline. Affected: yes. Observed: 2 variant alleles.

Literature cited by the submitters: PubMed 27639704 (cited by Rare Kidney Stone Consortium and the Mayo Clinic Hyperoxaluria Center, Mayo Clinic and Labcorp Genetics (formerly Invitae), Labcorp); PubMed 29431110 (cited by Rare Kidney Stone Consortium and the Mayo Clinic Hyperoxaluria Center, Mayo Clinic); PubMed 31672324 (cited by Rare Kidney Stone Consortium and the Mayo Clinic Hyperoxaluria Center, Mayo Clinic); PubMed 31288237 (cited by Rare Kidney Stone Consortium and the Mayo Clinic Hyperoxaluria Center, Mayo Clinic); PubMed 33099630 (cited by Rare Kidney Stone Consortium and the Mayo Clinic Hyperoxaluria Center, Mayo Clinic); PubMed 34307984 (cited by Rare Kidney Stone Consortium and the Mayo Clinic Hyperoxaluria Center, Mayo Clinic); PubMed 40794449 (cited by Rare Kidney Stone Consortium and the Mayo Clinic Hyperoxaluria Center, Mayo Clinic); PubMed 21675912 (cited by Labcorp Genetics (formerly Invitae), Labcorp).